The following is an entry in ClinVar:

NM_032444.4(SLX4):c.2430C>A (p.Ser810Arg)

Gene: SLX4 (SLX4 structure-specific endonuclease subunit; minus strand). Cytogenetic location: 16p13.3.
Variant type: single nucleotide variant.
Coding change: c.2430C>A on transcript NM_032444.4 (MANE Select); coding-DNA position 2430, C replaced by A.
Protein change: p.Ser810Arg; replaces serine 810 with arginine.
Molecular consequence: missense variant.
Genome position (GRCh38, 1-based): chr16:3,591,208, G>T on the plus strand (C>A on the coding strand, the complement: SLX4 is on the minus strand). VCF-style: chr16-3591208-G-T. GRCh37 (hg19) VCF-style: chr16-3641209-G-T.
Other names: short protein forms S810R.
Identifiers: ClinVar variation 3660904 (VCV003660904.3).

ClinVar aggregate classification (germline): Uncertain significance. Review status: criteria provided, multiple submitters, no conflicts (2 of 4 stars). 2 submissions from 2 submitters: Uncertain significance (2). Last evaluated 2025-11-24.

Conditions:
Fanconi anemia (FA). Also called: Fanconi's anemia. Identifiers: Orphanet 84, MedGen C0015625, MeSH D005199, MONDO:0019391.
Inborn genetic diseases. Identifiers: MedGen C0950123, MeSH D030342.

gnomAD v4.1: 11 of 1,614,018 alleles (0.00068%); highest among the groups gnomAD compares: Middle Eastern, 0.016%; no homozygotes.

Submissions (2):

Ambry Genetics
Classification: Uncertain significance for Inborn genetic diseases. Last evaluated: 2025-11-24. Review status: criteria provided, single submitter. Criteria: Ambry Variant Classification Scheme 2023. Collection method: clinical testing. Allele origin: germline.

Labcorp Genetics (formerly Invitae), Labcorp
Classification: Uncertain significance for Fanconi anemia. Last evaluated: 2024-10-31. Review status: criteria provided, single submitter. Criteria: Invitae Variant Classification Sherloc (09022015). Collection method: clinical testing. Allele origin: germline.
Comment: This sequence change replaces serine, which is neutral and polar, with arginine, which is basic and polar, at codon 810 of the SLX4 protein (p.Ser810Arg). This variant is not present in population databases (gnomAD no frequency). This variant has not been reported in the literature in individuals affected with SLX4-related conditions. An algorithm developed to predict the effect of missense changes on protein structure and function (PolyPhen-2) suggests that this variant is likely to be disruptive. In summary, the available evidence is currently insufficient to determine the role of this variant in disease. Therefore, it has been classified as a Variant of Uncertain Significance.